The following is an entry in ClinVar:

ClinVar aggregate classification (germline): Pathogenic (1 of 4 stars; one submission).

Conditions:
Familial thoracic aortic aneurysm and aortic dissection (TAAD). Also called: Thoracic aortic aneurysms and dissections. Identifiers: Orphanet 91387, MedGen C4707243, MONDO:0019625.
Marfan syndrome (MFS). Also called: Marfan syndrome type 1; Marfan's syndrome; Marfan syndrome, classic; MARFAN SYNDROME, TYPE I; FBN1-Related Marfan Syndrome. Identifiers: Orphanet 284963, Orphanet 558, MedGen C0024796, MONDO:0007947, OMIM 154700.

Submission:

Labcorp Genetics (formerly Invitae), Labcorp
Classification: Pathogenic for Marfan syndrome; Familial thoracic aortic aneurysm and aortic dissection. Last evaluated: 2021-03-31. Review status: criteria provided, single submitter. Criteria: Invitae Variant Classification Sherloc (09022015). Collection method: clinical testing. Allele origin: germline.
Comment: This variant disrupts the p.Cys1348 amino acid residue in FBN1. Other variant(s) that disrupt this residue have been observed in individuals with FBN1-related conditions (PMID: 25907466, 27112580, Invitae), which suggests that this may be a clinically significant amino acid residue. This variant has been observed in individual(s) with clinical features of Marfan syndrome (Invitae). This variant is not present in population databases (ExAC no frequency). This sequence change replaces cysteine with arginine at codon 1348 of the FBN1 protein (p.Cys1348Arg). The cysteine residue is highly conserved and there is a large physicochemical difference between cysteine and arginine. For these reasons, this variant has been classified as Pathogenic. This variant affects a cysteine residue in the EGF-like, TGFBP or hybrid motif domains of FBN1. Cysteine residues are believed to be involved in intramolecular disulfide bridges and have been shown to be important for FBN1 protein structure (PMID: 16905551, 19349279). In addition, missense substitutions affecting cysteine residues within these domains are significantly overrepresented among patients with Marfan syndrome (PMID: 16571647, 17701892).

Literature cited by the submitters: PubMed 25907466; PubMed 27112580; PubMed 16905551; PubMed 19349279; PubMed 16571647; PubMed 17701892.

NM_000138.5(FBN1):c.4042T>C (p.Cys1348Arg)

Gene: FBN1 (fibrillin 1; minus strand). Cytogenetic location: 15q21.1.
Variant type: single nucleotide variant.
Coding change: c.4042T>C on transcript NM_000138.5 (MANE Select); coding-DNA position 4042, T replaced by C.
Protein change: p.Cys1348Arg; replaces cysteine 1348 with arginine.
Molecular consequence: missense variant.
Genome position (GRCh38, 1-based): chr15:48,474,573, A>G on the plus strand (T>C on the coding strand, the complement: FBN1 is on the minus strand). VCF-style: chr15-48474573-A-G. GRCh37 (hg19) VCF-style: chr15-48766770-A-G.
Other names: short protein forms C1348R.
Identifiers: ClinVar variation 1072290 (VCV001072290.9), dbSNP rs2141280160, ClinGen allele CA392320496.